The following is an entry in ClinVar:

ClinVar aggregate classification (germline): Benign. Review status: reviewed by expert panel (3 of 4 stars). 12 submissions from 12 submitters: Benign (1). 11 of the submissions do not count toward it. Last evaluated 2026-05-26.

Conditions:
ABCA4-related retinopathy. Also called: ABCA4-related retinoapthy; ABCA4 retinoapthy. Identifiers: MedGen CN322612, MONDO:0800406.
ABCA4-related disorder. Also called: ABCA4-related disorders; ABCA4-related condition. Identifiers: MedGen CN239167.
Retinal dystrophy. Also called: Inherited retinal dystrophy. Identifiers: Orphanet 71862, MedGen C0854723, MeSH D058499, MONDO:0019118, HP:0000556.

Allele frequency attached by ClinVar (database versions not stated): gnomAD 0.26890 and 0.27862; TOPMed 0.29154; ESP Exome Variant Server 0.29886; 1000 Genomes Project 0.30112; 1000 Genomes Project 30x 0.30715; gnomAD exomes 0.13156 and 0.15779; ExAC 0.16881.
gnomAD v4.1: 234,928 of 1,612,464 alleles (15%); highest among the groups gnomAD compares: African/African-American, 66%; 28,639 homozygotes.

Submissions (12):

ClinGen ABCA4 Variant Curation Expert Panel, Clingen
Classification: Benign for ABCA4-related retinopathy. Last evaluated: 2026-05-26. Review status: reviewed by expert panel. Criteria: ClinGen ABCA4 ACMG Specifications V1.0.0. Collection method: curation. Allele origin: germline. Inheritance: Autosomal recessive inheritance.
Comment: The NM_000350.3(ABCA4):c.6285T>C variant is a synonymous variant, p.Asp2095=. The GroupMax filtering allele frequency in gnomAD v4.1.0 is 0.6547, which is greater than the ClinGen ABCA4 VCEP’s threshold for BA1 (>0.163). The computational splicing predictor SpliceAI gives this synonymous variant a delta score of 0.03 for donor gain, which is below the ClinGen ABCA4 VCEP BP7 threshold of <0.1 and does not strongly predict a splicing defect (BP7_Moderate). In summary, this variant meets the criteria to be classified as benign for ABCA4-related retinopathy based on the ACMG/AMP criteria applied, as specified by the ClinGen ABCA4 VCEP (Specification Version 1.0.0): BA1, BP7_Moderate.

Women's Health and Genetics/Laboratory Corporation of America, LabCorp
Classification: Benign. Last evaluated: 2026-06-26. Review status: criteria provided, single submitter. Criteria: LabCorp Variant Classification Summary - May 2015. Collection method: clinical testing. Allele origin: germline. Not counted in ClinVar's aggregate classification.

Labcorp Genetics (formerly Invitae), Labcorp
Classification: Benign. Last evaluated: 2026-02-04. Review status: criteria provided, single submitter. Criteria: Invitae Variant Classification Sherloc (09022015). Collection method: clinical testing. Allele origin: germline. Not counted in ClinVar's aggregate classification.

Blueprint Genetics
Classification: Likely benign. Last evaluated: 2024-11-26. Review status: criteria provided, single submitter. Criteria: ACMG Guidelines, 2015. Collection method: clinical testing. Allele origin: germline. Not counted in ClinVar's aggregate classification.

ARUP Laboratories, Molecular Genetics and Genomics, ARUP Laboratories
Classification: Benign. Last evaluated: 2023-11-29. Review status: criteria provided, single submitter. Criteria: ARUP Molecular Germline Variant Investigation Process 2024. Collection method: clinical testing. Allele origin: germline. Not counted in ClinVar's aggregate classification.

Dept Of Ophthalmology, Nagoya University
Classification: Benign for Retinal dystrophy. Last evaluated: 2023-10-01. Review status: criteria provided, single submitter. Criteria: Submitter's publication. Collection method: research. Allele origin: germline. Affected: yes. Not counted in ClinVar's aggregate classification.

Illumina Laboratory Services, Illumina
Classification: Benign for ABCA4-Related Disorders. Last evaluated: 2018-01-13. Review status: criteria provided, single submitter. Criteria: ICSL Variant Classification Criteria 13 December 2019. Collection method: clinical testing. Allele origin: germline. Not counted in ClinVar's aggregate classification.
Comment: This variant was observed in the ICSL laboratory as part of a predisposition screen in an ostensibly healthy population. It had not been previously curated by ICSL or reported in the Human Gene Mutation Database (HGMD: prior to June 1st, 2018), and was therefore a candidate for classification through an automated scoring system. Utilizing variant allele frequency, disease prevalence and penetrance estimates, and inheritance mode, an automated score was calculated to assess if this variant is too frequent to cause the disease. Based on the score and internal cut-off values, a variant classified as benign is not then subjected to further curation. The score for this variant resulted in a classification of benign for this disease.

Eurofins Ntd Llc (ga)
Classification: Benign. Last evaluated: 2017-06-02. Review status: criteria provided, single submitter. Criteria: EGL Classification Definitions 2015. Collection method: clinical testing. Allele origin: germline. Observed: 2 variant alleles, 1 heterozygote, 1 homozygote. Not counted in ClinVar's aggregate classification.

GeneDx
Classification: Benign. Last evaluated: 2011-06-28. Review status: criteria provided, single submitter. Criteria: GeneDx Variant Classification (06012015). Collection method: clinical testing. Allele origin: germline. Affected: yes. Not counted in ClinVar's aggregate classification.
Comment: This variant is considered likely benign or benign based on one or more of the following criteria: it is a conservative change, it occurs at a poorly conserved position in the protein, it is predicted to be benign by multiple in silico algorithms, and/or has population frequency not consistent with disease.

Breakthrough Genomics
Classification: Benign. Review status: criteria provided, single submitter. Criteria: ACMG Guidelines, 2015. Collection method: not provided. Allele origin: germline. Inheritance: Autosomal recessive inheritance. Affected: yes. Not counted in ClinVar's aggregate classification.

PreventionGenetics, part of Exact Sciences
Classification: Benign. Review status: criteria provided, single submitter. Criteria: ACMG Guidelines, 2015. Collection method: clinical testing. Allele origin: germline. Not counted in ClinVar's aggregate classification.

Retina International
No classification provided. Review status: no classification provided. Collection method: not provided. Allele origin: unknown. Not counted in ClinVar's aggregate classification.

NM_000350.3(ABCA4):c.6285T>C (p.Asp2095=)

Gene: ABCA4 (ATP binding cassette subfamily A member 4; minus strand). Cytogenetic location: 1p22.1.
Variant type: single nucleotide variant.
Coding change: c.6285T>C on transcript NM_000350.3 (MANE Select); coding-DNA position 6285, T replaced by C.
Protein change: p.Asp2095=; no amino-acid change (aspartic acid 2095 retained).
Molecular consequence: synonymous variant.
Genome position (GRCh38, 1-based): chr1:94,001,103, A>G on the plus strand (T>C on the coding strand, the complement: ABCA4 is on the minus strand). VCF-style: chr1-94001103-A-G. GRCh37 (hg19) VCF-style: chr1-94466659-A-G.
Other names: p.D2095D:GAT>GAC; NM_000350.3(ABCA4):c.6285T>C; p.Asp2095=; c.6063T>C, p.Asp2021= (NM_001425324.1).
Identifiers: ClinVar variation 99444 (VCV000099444.34), dbSNP rs1801555, ClinGen allele CA285825.
Genomic context (GRCh38, chr1:94,001,103, plus strand): 5'-GCTCACGATGACGTTCCACAGCATGCGGCGTGCCTGGGGGTCCATCCCTGTGGTGGGCTC[A>G]TCCTGGGGGGTGGAGAGAAGGTTGGGGGCACAGGCTGGGAGCTGGCCCTTCTGATTACTG-3'
Protein context (NP_000341.2, residues 2085-2105): LIGCPPLVLL[Asp2095=]EPTTGMDPQA